The following is an entry in ClinVar:

NM_000051.4(ATM):c.2036G>A (p.Gly679Asp)

Gene: ATM (ATM serine/threonine kinase; plus strand). Cytogenetic location: 11q22.3.
Variant type: single nucleotide variant.
Coding change: c.2036G>A on transcript NM_000051.4 (MANE Select); coding-DNA position 2036, G replaced by A.
Protein change: p.Gly679Asp; replaces glycine 679 with aspartic acid.
Molecular consequence: missense variant.
Genome position (GRCh38, 1-based): chr11:108,253,951, G>A. VCF-style: chr11-108253951-G-A. GRCh37 (hg19) VCF-style: chr11-108124678-G-A.
Other names: c.2036G>A, p.Gly679Asp (NM_001351834.2); short protein forms G679D.
Identifiers: ClinVar variation 1331936 (VCV001331936.3), dbSNP rs544123518, ClinGen allele CA382537400.

ClinVar aggregate classification (germline): Uncertain significance. Review status: criteria provided, multiple submitters, no conflicts (2 of 4 stars). 2 submissions from 2 submitters: Uncertain significance (2). Last evaluated 2023-11-16.

Conditions:
ATM-related cancer predisposition. Also called: ATM-related cancer susceptibility. Identifiers: MedGen CN377759, MONDO:0700270.
Hereditary cancer-predisposing syndrome. Also called: Neoplastic Syndromes, Hereditary; Hereditary Cancer Syndrome; Hereditary neoplastic syndrome; Tumor predisposition. Identifiers: Orphanet 140162, MedGen C0027672, MeSH D009386, MONDO:0015356.

Submissions (2):

Department of Pathology and Laboratory Medicine, Sinai Health System
Classification: Uncertain significance for ATM-related cancer predisposition. Last evaluated: 2023-11-16. Review status: criteria provided, single submitter. Criteria: ACMG Guidelines, 2015. Collection method: clinical testing. Allele origin: germline. Affected: no.

Color Diagnostics, LLC DBA Color Health
Classification: Uncertain significance for Hereditary cancer-predisposing syndrome. Last evaluated: 2021-06-08. Review status: criteria provided, single submitter. Criteria: ACMG Guidelines, 2015. Collection method: clinical testing. Allele origin: germline.
Comment: This missense variant replaces glycine with aspartic acid at codon 679 of the ATM protein. Computational prediction suggests that this variant may not impact protein structure and function (internally defined REVEL score threshold <= 0.5, PMID: 27666373). To our knowledge, functional studies have not been reported for this variant. This variant has not been reported in individuals affected with hereditary cancer in the literature. This variant has not been identified in the general population by the Genome Aggregation Database (gnomAD). The available evidence is insufficient to determine the role of this variant in disease conclusively. Therefore, this variant is classified as a Variant of Uncertain Significance.